The following is an entry in ClinVar:

NM_001002755.4(NFU1):c.4G>A (p.Ala2Thr)

Genes: NFU1 (NFU1 iron-sulfur cluster scaffold; minus strand), LOC129934004 (ATAC-STARR-seq lymphoblastoid active region 15971; plus strand). Cytogenetic location: 2p13.3.
Variant type: single nucleotide variant.
Coding change: c.4G>A on transcript NM_001002755.4 (MANE Select); coding-DNA position 4, G replaced by A.
Protein change: p.Ala2Thr; replaces alanine 2 with threonine.
Molecular consequence: missense variant. On other transcripts: 5 prime UTR variant (2), non-coding transcript variant (2), intron variant (1).
Genome position (GRCh38, 1-based): chr2:69,437,419, C>T on the plus strand (G>A on the coding strand, the complement: NFU1 is on the minus strand). VCF-style: chr2-69437419-C-T. GRCh37 (hg19) VCF-style: chr2-69664551-C-T.
Other names: c.-374G>A (NM_001002756.2); c.-159G>A (NM_015700.4); c.-11+634G>A (NM_001374284.1); short protein forms A2T.
Identifiers: ClinVar variation 2177062 (VCV002177062.4), dbSNP rs750378027, ClinGen allele CA1694345.
Genomic context (GRCh38, chr2:69,437,419, plus strand): 5'-ACCGCCTGCGCAGCCCGGCGGCAACAGCCGCAGCTCCCCAGCCCCGCCTGGCCGTCGCCG[C>T]CATCTTAGTCCGGAGTGCCTAAGGGTCTCCCTGACAGAACCACGAAAGATCTGCGCAGCC-3'
Protein context (NP_001002755.1, residues 1-12): M[Ala2Thr]ATARRGWGAA

ClinVar aggregate classification (germline): Uncertain significance (1 of 4 stars; one submission).

Conditions:
Multiple mitochondrial dysfunctions syndrome 1 (MMDS1). Identifiers: Orphanet 401869, MedGen C3276432, MONDO:0011582, OMIM 605711.

Allele frequency attached by ClinVar (database versions not stated): gnomAD exomes below 0.00001; ExAC 0.00001.
gnomAD v4.1: 1 of 1,610,638 alleles (0.000062%); highest among the groups gnomAD compares: South Asian, 0.0011%; no homozygotes.

Submission:

Labcorp Genetics (formerly Invitae), Labcorp
Classification: Uncertain significance for Multiple mitochondrial dysfunctions syndrome 1. Last evaluated: 2024-02-24. Review status: criteria provided, single submitter. Criteria: Invitae Variant Classification Sherloc (09022015). Collection method: clinical testing. Allele origin: germline.
Comment: This sequence change replaces alanine, which is neutral and non-polar, with threonine, which is neutral and polar, at codon 2 of the NFU1 protein (p.Ala2Thr). This variant is present in population databases (rs750378027, gnomAD 0.003%). This variant has not been reported in the literature in individuals affected with NFU1-related conditions. ClinVar contains an entry for this variant (Variation ID: 2177062). Experimental studies and prediction algorithms are not available or were not evaluated, and the functional significance of this variant is currently unknown. In summary, the available evidence is currently insufficient to determine the role of this variant in disease. Therefore, it has been classified as a Variant of Uncertain Significance.